The following is an entry in ClinVar:

NM_003718.5(CDK13):c.4535A>T (p.Tyr1512Phe)

Gene: CDK13 (cyclin dependent kinase 13; plus strand). Cytogenetic location: 7p14.1.
Variant type: single nucleotide variant.
Coding change: c.4535A>T on transcript NM_003718.5 (MANE Select); coding-DNA position 4535, A replaced by T.
Protein change: p.Tyr1512Phe; replaces tyrosine 1512 with phenylalanine.
Molecular consequence: missense variant.
Genome position (GRCh38, 1-based): chr7:40,094,976, A>T. VCF-style: chr7-40094976-A-T. GRCh37 (hg19) VCF-style: chr7-40134575-A-T.
Other names: c.4355A>T, p.Tyr1452Phe (NM_031267.4); short protein forms Y1452F, Y1512F.
Identifiers: ClinVar variation 3364546 (VCV003364546.1).
Genomic context (GRCh38, chr7:40,094,976, plus strand): 5'-AAGGATACAGGGGACATATTAGCACATCAACTGGCAGAGGCAGAGGCAGAGGGTTACCAT[A>T]CTGAGTATCTGTTTTTCCTCAGGCACATCATTTTTATCTGGAAAGACTTTTCTAGCTGCA-3'
Protein context (NP_003709.3, residues 1502-1512): TGRGRGRGLP[Tyr1512Phe]

ClinVar aggregate classification (germline): Uncertain significance (1 of 4 stars; one submission).

Submission:

GeneDx
Classification: Uncertain significance. Last evaluated: 2023-11-16. Review status: criteria provided, single submitter. Criteria: GeneDx Variant Classification Process June 2021. Collection method: clinical testing. Allele origin: germline. Affected: yes.
Comment: Not observed at significant frequency in large population cohorts (gnomAD); In silico analysis supports that this missense variant does not alter protein structure/function; Has not been previously published as pathogenic or benign to our knowledge